The following is an entry in ClinVar:

ClinVar aggregate classification (germline): Likely benign (1 of 4 stars; one submission).

Allele frequency attached by ClinVar (database versions not stated): 1000 Genomes Project 30x 0.00500; 1000 Genomes Project 0.00519; gnomAD 0.00554.

Submission:

GeneDx
Classification: Likely benign. Last evaluated: 2021-05-21. Review status: criteria provided, single submitter. Criteria: GeneDx Variant Classification Process June 2021. Collection method: clinical testing. Allele origin: germline. Affected: yes.
Comment: See Variant Classification Assertion Criteria.

NM_207122.2(EXT2):c.1496-204_1496-195del

Gene: EXT2 (exostosin glycosyltransferase 2; plus strand). Cytogenetic location: 11p11.2.
Variant type: Deletion.
Coding change: c.1496-204_1496-195del on transcript NM_207122.2 (MANE Select); 204 bases into the intron before coding-DNA position 1496 through 195 bases into the intron before coding-DNA position 1496, 10 bases deleted (ATATGTGTAC; older notation c.1496-204_1496-195delATATGTGTAC).
Molecular consequence: intron variant.
Genome position (GRCh38, 1-based): chr11:44,206,589-44,206,598, ATATGTGTAC deleted. VCF-style (leftmost placement, unchanged base first): chr11-44206588-TATATGTGTAC-T. GRCh37 (hg19) VCF-style: chr11-44228138-TATATGTGTAC-T.
Other names: c.1496-204_1496-195del (NM_001389630.1, NM_001389628.1); c.1526-204_1526-195del (NM_001178083.3); c.1595-204_1595-195del (NM_000401.3).
Identifiers: ClinVar variation 2506753 (VCV002506753.1), dbSNP rs534524430, ClinGen allele CA221476856.